The following is an entry in ClinVar:

NM_006907.4(PYCR1):c.902_903inv (p.Ser301Leu)

Gene: PYCR1 (pyrroline-5-carboxylate reductase 1; minus strand). Cytogenetic location: 17q25.3.
Variant type: Inversion.
Coding change: c.902_903inv on transcript NM_006907.4 (MANE Select).
Protein change: p.Ser301Leu; replaces serine 301 with leucine.
Molecular consequence: missense variant. On other transcripts: 3 prime UTR variant (1), intron variant (1).
Genome position: GRCh38 VCF-style: chr17-81933271-TG-CA. GRCh37 (hg19) VCF-style: chr17-79891147-TG-CA.
Other names: c.809_810inv, p.Ser270Leu (NM_001282279.2); c.902_903inv, p.Ser301Leu (NM_001282280.2); c.983_984inv, p.Ser328Leu (NM_001282281.2); c.*84_*85inv (NM_001330523.2); c.867+35_867+36inv (NM_153824.3); short protein forms S301L, S270L, S328L.
Identifiers: ClinVar variation 1398444 (VCV001398444.3), ClinGen allele CA2573154996.

ClinVar aggregate classification (germline): Uncertain significance (1 of 4 stars; one submission).

Submission:

Labcorp Genetics (formerly Invitae), Labcorp
Classification: Uncertain significance. Last evaluated: 2022-08-22. Review status: criteria provided, single submitter. Criteria: Invitae Variant Classification Sherloc (09022015). Collection method: clinical testing. Allele origin: germline.
Comment: This sequence change replaces serine, which is neutral and polar, with leucine, which is neutral and non-polar, at codon 301 of the PYCR1 protein (p.Ser301Leu). This variant is present in population databases (no rsID available, gnomAD 0.4%). This variant has not been reported in the literature in individuals affected with PYCR1-related conditions. Experimental studies and prediction algorithms are not available or were not evaluated, and the functional significance of this variant is currently unknown. In summary, the available evidence is currently insufficient to determine the role of this variant in disease. Therefore, it has been classified as a Variant of Uncertain Significance.